The following is an entry in ClinVar:

ClinVar aggregate classification (germline): Uncertain significance (1 of 4 stars; one submission).

Submission:

Ambry Genetics
Classification: Uncertain significance. Last evaluated: 2026-08-08. Review status: criteria provided, single submitter. Criteria: Ambry Variant Classification Scheme 2023. Collection method: clinical testing. Allele origin: germline.
Comment: The p.A688G variant (also known as c.2063C>G), located in coding exon 9 of the WNK2 gene, results from a C to G substitution at nucleotide position 2063. The alanine at codon 688 is replaced by glycine, an amino acid with similar properties. This amino acid position is conserved. In addition, this alteration is predicted to be tolerated by in silico analysis. Based on the available evidence, the clinical significance of this variant remains unclear.

NM_006648.4(WNK2):c.2063C>G (p.Ala688Gly)

Gene: WNK2 (WNK lysine deficient protein kinase 2; plus strand). Cytogenetic location: 9q22.31.
Variant type: single nucleotide variant.
Coding change: c.2063C>G on transcript NM_006648.4 (MANE Select); coding-DNA position 2063, C replaced by G.
Protein change: p.Ala688Gly; replaces alanine 688 with glycine.
Molecular consequence: missense variant.
Genome position (GRCh38, 1-based): chr9:93,256,327, C>G. VCF-style: chr9-93256327-C-G. GRCh37 (hg19) VCF-style: chr9-96018609-C-G.
Other names: c.2063C>G, p.Ala688Gly (NM_001282394.3); short protein forms A688G.
Identifiers: ClinVar variation 5031916 (VCV005031916.1).
Genomic context (GRCh38, chr9:93,256,327, plus strand): 5'-GCTGCTGAGTGTGGCCCTGGTGCTCTCTGCAGCCTGGCTTGCCGGTGGGCTCTGTCCCGG[C>G]CCCCGCCTGCCCTCCGTCCCTCCAGCAGCACTTCCCGGATCCGGCCATGAGCTTCGCCCC-3'
Protein context (NP_006639.3, residues 678-698): APGLPVGSVP[Ala688Gly]PACPPSLQQH